The following is an entry in ClinVar:

NM_153240.5(NPHP3):c.1538T>C (p.Leu513Pro)

Genes: NPHP3 (nephrocystin 3; minus strand), NPHP3-ACAD11 (NPHP3-ACAD11 readthrough (NMD candidate); minus strand). Cytogenetic location: 3q22.1.
Variant type: single nucleotide variant.
Coding change: c.1538T>C on transcript NM_153240.5 (MANE Select); coding-DNA position 1538, T replaced by C.
Protein change: p.Leu513Pro; replaces leucine 513 with proline.
Molecular consequence: missense variant. On other transcripts: non-coding transcript variant (1).
Genome position (GRCh38, 1-based): chr3:132,701,520, A>G on the plus strand (T>C on the coding strand, the complement: NPHP3 is on the minus strand). VCF-style: chr3-132701520-A-G. GRCh37 (hg19) VCF-style: chr3-132420364-A-G.
Other names: short protein forms L513P.
Identifiers: ClinVar variation 377316 (VCV000377316.3), dbSNP rs1057520193, ClinGen allele CA16603339.
Genomic context (GRCh38, chr3:132,701,520, plus strand): 5'-CCTGGTCCTCCAGACACGAGAAGAGGTGGAATCGGGGCTGGTGCTGCCACTAGATCATTA[A>G]GGCGTTGGTAATACTAGAAAAAAAAATGAATTTACATTGTAAGGAAGCACATGCCTCTGA-3'
Protein context (NP_694972.3, residues 503-523): ELGFEKYYQR[Leu513Pro]NDLVAAPAPI

ClinVar aggregate classification (germline): Uncertain significance (1 of 4 stars; one submission).

Allele frequency attached by ClinVar (database versions not stated): gnomAD exomes below 0.00001.
gnomAD v4.1: 2 of 1,612,106 alleles (0.00012%); highest among the groups gnomAD compares: Non-Finnish European, 0.00017%; no homozygotes.

Submission:

Center for Pediatric Genomic Medicine, Children's Mercy Hospital and Clinics
Classification: Uncertain significance. Last evaluated: 2017-01-25. Review status: criteria provided, single submitter. Criteria: ACMG Guidelines, 2015. Collection method: clinical testing. Allele origin: germline.
ClinVar note: Converted during submission from Uncertain Significance to Uncertain significance.